The following is an entry in ClinVar:

NM_002473.6(MYH9):c.906C>G (p.Phe302Leu)

Gene: MYH9 (myosin heavy chain 9; minus strand). Cytogenetic location: 22q12.3.
Variant type: single nucleotide variant.
Coding change: c.906C>G on transcript NM_002473.6 (MANE Select); coding-DNA position 906, C replaced by G.
Protein change: p.Phe302Leu; replaces phenylalanine 302 with leucine.
Molecular consequence: missense variant.
Genome position (GRCh38, 1-based): chr22:36,320,326, G>C on the plus strand (C>G on the coding strand, the complement: MYH9 is on the minus strand). VCF-style: chr22-36320326-G-C. GRCh37 (hg19) VCF-style: chr22-36716371-G-C.
Other names: c.906C>G (NM_002473.4); short protein forms F302L.
Identifiers: ClinVar variation 2719285 (VCV002719285.4), dbSNP rs375657864, ClinGen allele CA10210426.

ClinVar aggregate classification (germline): Uncertain significance. Review status: criteria provided, multiple submitters, no conflicts (2 of 4 stars). 2 submissions from 2 submitters: Uncertain significance (2). Last evaluated 2025-01-14.

Allele frequency attached by ClinVar (database versions not stated): TOPMed below 0.00001; ExAC 0.00001; gnomAD 0.00001; gnomAD exomes 0.00001; ESP Exome Variant Server 0.00008.
gnomAD v4.1: 9 of 1,614,060 alleles (0.00056%); highest among the groups gnomAD compares: Non-Finnish European, 0.00076%; no homozygotes.

Submissions (2):

GeneDx
Classification: Uncertain significance. Last evaluated: 2025-01-14. Review status: criteria provided, single submitter. Criteria: GeneDx Variant Classification Process June 2021. Collection method: clinical testing. Allele origin: germline. Affected: yes.
Comment: In silico analysis supports that this missense variant has a deleterious effect on protein structure/function; Has not been previously published as pathogenic or benign to our knowledge

Labcorp Genetics (formerly Invitae), Labcorp
Classification: Uncertain significance. Last evaluated: 2024-02-29. Review status: criteria provided, single submitter. Criteria: Invitae Variant Classification Sherloc (09022015). Collection method: clinical testing. Allele origin: germline.
Comment: This sequence change replaces phenylalanine, which is neutral and non-polar, with leucine, which is neutral and non-polar, at codon 302 of the MYH9 protein (p.Phe302Leu). This variant is present in population databases (rs375657864, gnomAD 0.002%). This variant has not been reported in the literature in individuals affected with MYH9-related conditions. Advanced modeling of protein sequence and biophysical properties (such as structural, functional, and spatial information, amino acid conservation, physicochemical variation, residue mobility, and thermodynamic stability) has been performed at Invitae for this missense variant, however the output from this modeling did not meet the statistical confidence thresholds required to predict the impact of this variant on MYH9 protein function. In summary, the available evidence is currently insufficient to determine the role of this variant in disease. Therefore, it has been classified as a Variant of Uncertain Significance.